The following is an entry in ClinVar:

ClinVar aggregate classification (germline): Uncertain significance. Review status: criteria provided, multiple submitters, no conflicts (2 of 4 stars). 2 submissions from 2 submitters: Uncertain significance (2). Last evaluated 2022-06-14.

Conditions:
Inborn genetic diseases. Identifiers: MedGen C0950123, MeSH D030342.
Cone-rod dystrophy 13 (CORD13). Identifiers: Orphanet 1872, MedGen C2750720, MONDO:0011987, OMIM 608194.
Leber congenital amaurosis 6 (LCA6). Identifiers: Orphanet 65, MedGen C1854260, MONDO:0013446, OMIM 613826.

Allele frequency attached by ClinVar (database versions not stated): TOPMed 0.00001; gnomAD exomes 0.00002.
gnomAD v4.1: 24 of 1,614,046 alleles (0.0015%); highest among the groups gnomAD compares: Non-Finnish European, 0.0019%; no homozygotes.

Submissions (2):

Labcorp Genetics (formerly Invitae), Labcorp
Classification: Uncertain significance for Leber congenital amaurosis 6; Cone-rod dystrophy 13. Last evaluated: 2022-06-14. Review status: criteria provided, single submitter. Criteria: Invitae Variant Classification Sherloc (09022015). Collection method: clinical testing. Allele origin: germline.
Comment: This sequence change replaces valine, which is neutral and non-polar, with methionine, which is neutral and non-polar, at codon 683 of the RPGRIP1 protein (p.Val683Met). This variant is present in population databases (no rsID available, gnomAD 0.002%). This variant has not been reported in the literature in individuals affected with RPGRIP1-related conditions. Algorithms developed to predict the effect of missense changes on protein structure and function are either unavailable or do not agree on the potential impact of this missense change (SIFT: "Tolerated"; PolyPhen-2: "Probably Damaging"; Align-GVGD: "Class C0"). In summary, the available evidence is currently insufficient to determine the role of this variant in disease. Therefore, it has been classified as a Variant of Uncertain Significance.

Ambry Genetics
Classification: Uncertain significance for Inborn genetic diseases. Last evaluated: 2022-06-03. Review status: criteria provided, single submitter. Criteria: Ambry Variant Classification Scheme 2023. Collection method: clinical testing. Allele origin: germline.

NM_020366.4(RPGRIP1):c.2047G>A (p.Val683Met)

Gene: RPGRIP1 (RPGR interacting protein 1; plus strand). Cytogenetic location: 14q11.2.
Variant type: single nucleotide variant.
Coding change: c.2047G>A on transcript NM_020366.4 (MANE Select); coding-DNA position 2047, G replaced by A.
Protein change: p.Val683Met; replaces valine 683 with methionine.
Molecular consequence: missense variant. On other transcripts: intron variant (4).
Genome position (GRCh38, 1-based): chr14:21,324,902, G>A. VCF-style: chr14-21324902-G-A. GRCh37 (hg19) VCF-style: chr14-21793061-G-A.
Other names: c.973G>A, p.Val325Met (NM_001377948.1); c.796+177G>A (NM_001377949.1); c.689-2721G>A (NM_001377523.1, NM_001377950.1); c.191-2721G>A (NM_001377951.1); short protein forms V325M, V683M.
Identifiers: ClinVar variation 1900288 (VCV001900288.3), dbSNP rs890716590, ClinGen allele CA257536068.
Genomic context (GRCh38, chr14:21,324,902, plus strand): 5'-ACCCACTGTACCCCATTATCTGTGGGGCCACAGCCCCTCTATGACTTCACCTCCCAGTAT[G>A]TGATGGAGACAGATTCGCTTTTCTTACACTACCTTCAAGAGGCTTCAGCCCGGCTTGACA-3'
Protein context (NP_065099.3, residues 673-693): QPLYDFTSQY[Val683Met]METDSLFLHY